The following is an entry in ClinVar:

ClinVar aggregate classification (germline): Uncertain significance (1 of 4 stars; one submission).

Submission:

GeneDx
Classification: Uncertain significance. Last evaluated: 2022-10-12. Review status: criteria provided, single submitter. Criteria: GeneDx Variant Classification Process June 2021. Collection method: clinical testing. Allele origin: germline. Affected: yes.
Comment: Not observed at significant frequency in large population cohorts (gnomAD); In silico analysis supports that this missense variant has a deleterious effect on protein structure/function; Has not been previously published as pathogenic or benign to our knowledge

NM_001378452.1(ITPR1):c.3826G>T (p.Gly1276Trp)

Gene: ITPR1 (inositol 1,4,5-trisphosphate receptor type 1; plus strand). Cytogenetic location: 3p26.1.
Variant type: single nucleotide variant.
Coding change: c.3826G>T on transcript NM_001378452.1 (MANE Select); coding-DNA position 3826, G replaced by T.
Protein change: p.Gly1276Trp; replaces glycine 1276 with tryptophan.
Molecular consequence: missense variant.
Genome position (GRCh38, 1-based): chr3:4,688,618, G>T. VCF-style: chr3-4688618-G-T. GRCh37 (hg19) VCF-style: chr3-4730302-G-T.
Other names: c.3799G>T, p.Gly1267Trp (NM_001099952.4); c.3781G>T, p.Gly1261Trp (NM_001168272.2); c.3754G>T, p.Gly1252Trp (NM_002222.7); short protein forms G1252W, G1261W, G1267W, G1276W.
Identifiers: ClinVar variation 2499421 (VCV002499421.1), dbSNP rs1168250111, ClinGen allele CA351630358.
Genomic context (GRCh38, chr3:4,688,618, plus strand): 5'-GCAGGCAACCAGCAGAATCAAGCTTTGCTACATAAACACATAAACCTGTTTCTCAACCCA[G>T]GGGTAAGACTTGAGGCCAATCTGCAAATCTATAGAGGGAGGAGGGCAGGGAAGAGGGAGG-3'
Protein context (NP_001365381.1, residues 1266-1286): HKHINLFLNP[Gly1276Trp]ILEAVTMQHI